The following is an entry in ClinVar:

NM_000059.4(BRCA2):c.189A>C (p.Lys63Asn)

Gene: BRCA2 (BRCA2 DNA repair associated; plus strand). Cytogenetic location: 13q13.1.
Variant type: single nucleotide variant.
Coding change: c.189A>C on transcript NM_000059.4 (MANE Select); coding-DNA position 189, A replaced by C.
Protein change: p.Lys63Asn; replaces lysine 63 with asparagine.
Molecular consequence: missense variant.
Genome position (GRCh38, 1-based): chr13:32,319,198, A>C. VCF-style: chr13-32319198-A-C. GRCh37 (hg19) VCF-style: chr13-32893335-A-C.
Other names: short protein forms K63N.
Identifiers: ClinVar variation 126028 (VCV000126028.6), dbSNP rs80358480, ClinGen allele CA013772.

ClinVar aggregate classification (germline): Uncertain significance. Review status: criteria provided, single submitter (1 of 4 stars). 3 submissions from 3 submitters: Uncertain significance (1). 2 of the submissions do not count toward it. Last evaluated 2022-05-24.

Conditions:
Hereditary cancer-predisposing syndrome. Also called: Tumor predisposition; Hereditary Cancer Syndrome; Neoplastic Syndromes, Hereditary; Hereditary neoplastic syndrome. Identifiers: Orphanet 140162, MedGen C0027672, MeSH D009386, MONDO:0015356.
Breast-ovarian cancer, familial, susceptibility to, 2 (BROVCA2). Also called: BRCA2 Hereditary Breast and Ovarian Cancer. Identifiers: Orphanet 145, MedGen C2675520, MONDO:0012933, OMIM 612555. Disease mechanism: loss of function.

Submissions (3):

Ambry Genetics
Classification: Uncertain significance for Hereditary cancer-predisposing syndrome. Last evaluated: 2022-05-24. Review status: criteria provided, single submitter. Criteria: Ambry Variant Classification Scheme 2023. Collection method: clinical testing. Allele origin: germline.
Comment: The p.K63N variant (also known as c.189A>C), located in coding exon 2 of the BRCA2 gene, results from an A to C substitution at nucleotide position 189. The lysine at codon 63 is replaced by asparagine, an amino acid with similar properties. This amino acid position is highly conserved in available vertebrate species. In addition, this alteration is predicted to be tolerated by in silico analysis. Since supporting evidence is limited at this time, the clinical significance of this alteration remains unclear.

Counsyl
Classification: Uncertain significance for Breast-ovarian cancer, familial, susceptibility to, 2. Last evaluated: 2016-06-01. Review status: no assertion criteria provided. Collection method: clinical testing. Allele origin: unknown. Not counted in ClinVar's aggregate classification.

Breast Cancer Information Core (BIC) (BRCA2)
Classification: Uncertain significance for Breast-ovarian cancer, familial 2. Last evaluated: 2003-12-23. Review status: no assertion criteria provided. Collection method: clinical testing. Allele origin: germline. Affected: yes. Observed: 1 variant allele. Not counted in ClinVar's aggregate classification.

Literature cited by the submitters: PubMed 17899372 (cited by Counsyl).